The following is an entry in ClinVar:

ClinVar aggregate classification (germline): Uncertain significance (1 of 4 stars; one submission).

Conditions:
Vici syndrome (VICIS). Identifiers: Orphanet 1493, MedGen C1855772, MONDO:0009452, OMIM 242840.

gnomAD v4.1: 5 of 1,614,248 alleles (0.00031%); highest among the groups gnomAD compares: Non-Finnish European, 0.00042%; no homozygotes.

Submission:

Labcorp Genetics (formerly Invitae), Labcorp
Classification: Uncertain significance for Vici syndrome. Last evaluated: 2022-12-27. Review status: criteria provided, single submitter. Criteria: Invitae Variant Classification Sherloc (09022015). Collection method: clinical testing. Allele origin: germline.
Comment: In summary, the available evidence is currently insufficient to determine the role of this variant in disease. Therefore, it has been classified as a Variant of Uncertain Significance. Advanced modeling of protein sequence and biophysical properties (such as structural, functional, and spatial information, amino acid conservation, physicochemical variation, residue mobility, and thermodynamic stability) performed at Invitae indicates that this missense variant is not expected to disrupt EPG5 protein function. This variant has not been reported in the literature in individuals affected with EPG5-related conditions. This variant is present in population databases (no rsID available, gnomAD 0.0009%). This sequence change replaces serine, which is neutral and polar, with phenylalanine, which is neutral and non-polar, at codon 248 of the EPG5 protein (p.Ser248Phe).

NM_020964.3(EPG5):c.743C>T (p.Ser248Phe)

Gene: EPG5 (ectopic P-granules 5 autophagy tethering factor; minus strand). Cytogenetic location: 18q21.1.
Variant type: single nucleotide variant.
Coding change: c.743C>T on transcript NM_020964.3 (MANE Select); coding-DNA position 743, C replaced by T.
Protein change: p.Ser248Phe; replaces serine 248 with phenylalanine.
Molecular consequence: missense variant.
Genome position (GRCh38, 1-based): chr18:45,954,659, G>A on the plus strand (C>T on the coding strand, the complement: EPG5 is on the minus strand). VCF-style: chr18-45954659-G-A. GRCh37 (hg19) VCF-style: chr18-43534625-G-A.
Other names: c.743C>T, p.Ser248Phe (NM_001410858.1, NM_001410859.1); short protein forms S248F.
Identifiers: ClinVar variation 2882656 (VCV002882656.1), dbSNP rs1221979675, ClinGen allele CA402351072.